The following is an entry in ClinVar:

NM_020117.11(LARS1):c.2775T>C (p.Thr925=)

Gene: LARS1 (leucyl-tRNA synthetase 1; minus strand). Cytogenetic location: 5q32.
Variant type: single nucleotide variant.
Coding change: c.2775T>C on transcript NM_020117.11 (MANE Select); coding-DNA position 2775, T replaced by C.
Protein change: p.Thr925=; no amino-acid change (threonine 925 retained).
Molecular consequence: synonymous variant.
Genome position (GRCh38, 1-based): chr5:146,128,777, A>G on the plus strand (T>C on the coding strand, the complement: LARS1 is on the minus strand). VCF-style: chr5-146128777-A-G. GRCh37 (hg19) VCF-style: chr5-145508340-A-G.
Other names: p.T925T:ACT>ACC; c.2637T>C, p.Thr879= (NM_001317964.2); c.2613T>C, p.Thr871= (NM_001317965.2); c.2694T>C, p.Thr898= (NM_016460.4).
Identifiers: ClinVar variation 138096 (VCV000138096.8), dbSNP rs2895647, ClinGen allele CA291899.

ClinVar aggregate classification (germline): Benign. Review status: criteria provided, multiple submitters, no conflicts (2 of 4 stars). 2 submissions from 2 submitters: Benign (2). Last evaluated 2026-02-04.

Allele frequency attached by ClinVar (database versions not stated): ExAC 0.26410; gnomAD 0.22218 and 0.22123; ESP Exome Variant Server 0.20475; 1000 Genomes Project 0.18171; TOPMed 0.22146.
gnomAD v4.1: 436,031 of 1,596,880 alleles (27%); highest among the groups gnomAD compares: Admixed American, 40%; 63,506 homozygotes.

Submissions (2):

Labcorp Genetics (formerly Invitae), Labcorp
Classification: Benign. Last evaluated: 2026-02-04. Review status: criteria provided, single submitter. Criteria: Invitae Variant Classification Sherloc (09022015). Collection method: clinical testing. Allele origin: germline.

GeneDx
Classification: Benign. Last evaluated: 2013-08-29. Review status: criteria provided, single submitter. Criteria: GeneDx Variant Classification (06012015). Collection method: clinical testing. Allele origin: germline. Affected: yes.
Comment: This variant is considered likely benign or benign based on one or more of the following criteria: it is a conservative change, it occurs at a poorly conserved position in the protein, it is predicted to be benign by multiple in silico algorithms, and/or has population frequency not consistent with disease.